The following is an entry in ClinVar:

NM_001197104.2(KMT2A):c.10441C>A (p.Pro3481Thr)

Gene: KMT2A (lysine methyltransferase 2A; plus strand). Cytogenetic location: 11q23.3.
Variant type: single nucleotide variant.
Coding change: c.10441C>A on transcript NM_001197104.2 (MANE Select); coding-DNA position 10441, C replaced by A.
Protein change: p.Pro3481Thr; replaces proline 3481 with threonine.
Molecular consequence: missense variant.
Genome position (GRCh38, 1-based): chr11:118,506,333, C>A. VCF-style: chr11-118506333-C-A. GRCh37 (hg19) VCF-style: chr11-118377048-C-A.
Other names: c.10441C>A (NM_001197104.1); c.10432C>A, p.Pro3478Thr (NM_005933.4); short protein forms P3478T, P3481T.
Identifiers: ClinVar variation 1398015 (VCV001398015.7), dbSNP rs782107354, ClinGen allele CA6304748.

ClinVar aggregate classification (germline): Conflicting classifications of pathogenicity. Review status: criteria provided, conflicting classifications (1 of 4 stars). 2 submissions from 2 submitters: Uncertain significance (1); Likely benign (1). Last evaluated 2025-12-19.

Conditions:
Inborn genetic diseases. Identifiers: MedGen C0950123, MeSH D030342.

Allele frequency attached by ClinVar (database versions not stated): gnomAD exomes 0.00001 and 0.00002; ExAC 0.00002; gnomAD 0.00003 and 0.00004; TOPMed 0.00005.
gnomAD v4.1: 14 of 1,614,018 alleles (0.00087%); highest among the groups gnomAD compares: East Asian, 0.022%; no homozygotes.

Submissions (2):

Labcorp Genetics (formerly Invitae), Labcorp
Classification: Uncertain significance. Last evaluated: 2025-12-19. Review status: criteria provided, single submitter. Criteria: Invitae Variant Classification Sherloc (09022015). Collection method: clinical testing. Allele origin: germline.
Comment: This sequence change replaces proline, which is neutral and non-polar, with threonine, which is neutral and polar, at codon 3481 of the KMT2A protein (p.Pro3481Thr). This variant is present in population databases (rs782107354, gnomAD 0.03%). This variant has not been reported in the literature in individuals affected with KMT2A-related conditions. ClinVar contains an entry for this variant (Variation ID: 1398015). Invitae Evidence Modeling of protein sequence and biophysical properties (such as structural, functional, and spatial information, amino acid conservation, physicochemical variation, residue mobility, and thermodynamic stability) indicates that this missense variant is not expected to disrupt KMT2A protein function with a negative predictive value of 95%. In summary, the available evidence is currently insufficient to determine the role of this variant in disease. Therefore, it has been classified as a Variant of Uncertain Significance.

Ambry Genetics
Classification: Likely benign for Inborn genetic diseases. Last evaluated: 2022-12-02. Review status: criteria provided, single submitter. Criteria: Ambry Variant Classification Scheme 2023. Collection method: clinical testing. Allele origin: germline.